The following is an entry in ClinVar:

NM_000169.3(GLA):c.844A>C (p.Thr282Pro)

Genes: GLA (galactosidase alpha; minus strand), RPL36A-HNRNPH2 (RPL36A-HNRNPH2 readthrough; plus strand). Cytogenetic location: Xq22.1.
Variant type: single nucleotide variant.
Coding change: c.844A>C on transcript NM_000169.3 (MANE Select); coding-DNA position 844, A replaced by C.
Protein change: p.Thr282Pro; replaces threonine 282 with proline.
Molecular consequence: missense variant. On other transcripts: non-coding transcript variant (3), intron variant (2).
Genome position (GRCh38, 1-based): chrX:101,398,525, T>G on the plus strand (A>C on the coding strand, the complement: GLA is on the minus strand). VCF-style: chrX-101398525-T-G. GRCh37 (hg19) VCF-style: chrX-100653513-T-G.
Other names: c.967A>C, p.Thr323Pro (NM_001406747.1); c.844A>C, p.Thr282Pro (NM_001406748.1); c.300+3068T>G (NM_001199973.2); c.177+6703T>G (NM_001199974.2); short protein forms T282P, T323P.
Identifiers: ClinVar variation 4087547 (VCV004087547.2).
Genomic context (GRCh38, chrX:101,398,525, plus strand): 5'-GTCGGAGGTCATTAGACATGAATAAAGGAGCAGCCATGATAGCCCAGAGGGCCATCTGAG[T>G]TACTTGCTGATTCCAGCTGAGGCCAAAGTTGCCAATCACTAACTGAGAAAAAGAATGAAA-3'
Protein context (NP_000160.1, residues 272-292): NFGLSWNQQV[Thr282Pro]QMALWAIMAA

ClinVar aggregate classification (germline): Likely pathogenic (1 of 4 stars; one submission).

Conditions:
Fabry disease. Also called: ALPHA-GALACTOSIDASE A DEFICIENCY; ANDERSON-FABRY DISEASE; CERAMIDE TRIHEXOSIDASE DEFICIENCY; GLA DEFICIENCY; HEREDITARY DYSTOPIC LIPIDOSIS; Angiokeratoma corporis diffusum. Identifiers: Orphanet 324, MedGen C0002986, MONDO:0010526, OMIM 301500, HP:0001071. Disease mechanism: Fabry disease is due to inactivating mutations in the X-linked GLA gene resulting in deficiency of the enzyme Alpha Galactosidase-A., loss of function.

Submission:

Genomenon, Inc
Classification: Likely pathogenic for Fabry disease. Last evaluated: 2026-09-08. Review status: criteria provided, single submitter. Criteria: Genomenon Sequence Variant Interpretation Standards - Updated. Collection method: curation. Allele origin: germline. Affected: yes.
Comment: GLA p.Thr282Pro (c.844A>C) is a missense variant that changes the amino acid at codon 282 from Threonine to Proline. This variant has been observed in at least one proband with clinical features consistent with Fabry disease (PMID:36140787;38002959;40692291). The variant was found to segregate with disease in at least one affected family (PMID:36140787). Functional or patient cell studies have been reported (PMID:36140787). It is absent or not present at a significant frequency in gnomAD. In silico models predict that this variant is possibly or probably damaging. In conclusion, we classify GLA p.Thr282Pro (c.844A>C) as a likely pathogenic variant.

Literature cited by the submitters: PubMed 36140787; PubMed 38002959; PubMed 40692291.